The following is an entry in ClinVar:

ClinVar aggregate classification (germline): Uncertain significance. Review status: criteria provided, multiple submitters, no conflicts (2 of 4 stars). 3 submissions from 3 submitters: Uncertain significance (3). Last evaluated 2024-06-19.

Conditions:
Senior-Loken syndrome 8 (SLSN8). Identifiers: Orphanet 3156, MedGen C4225376, MONDO:0014579, OMIM 616307.
Asphyxiating thoracic dystrophy 5 (SRTD5). Also called: SHORT-RIB THORACIC DYSPLASIA 5 WITH OR WITHOUT POLYDACTYLY; SHORT-RIB THORACIC DYSPLASIA 5 WITHOUT POLYDACTYLY. Identifiers: Orphanet 474, MedGen C3280598, MONDO:0013717, OMIM 614376.

Allele frequency attached by ClinVar (database versions not stated): TOPMed below 0.00001; gnomAD 0.00001; gnomAD exomes 0.00001.
gnomAD v4.1: 11 of 1,613,812 alleles (0.00068%); highest among the groups gnomAD compares: Non-Finnish European, 0.00093%; no homozygotes.

Submissions (3):

Blueprint Genetics
Classification: Uncertain significance. Last evaluated: 2024-06-19. Review status: criteria provided, single submitter. Criteria: ACMG Guidelines, 2015. Collection method: clinical testing. Allele origin: germline.

Labcorp Genetics (formerly Invitae), Labcorp
Classification: Uncertain significance for Senior-Loken syndrome 8; Asphyxiating thoracic dystrophy 5. Last evaluated: 2022-11-28. Review status: criteria provided, single submitter. Criteria: Invitae Variant Classification Sherloc (09022015). Collection method: clinical testing. Allele origin: germline.
Comment: In summary, the available evidence is currently insufficient to determine the role of this variant in disease. Therefore, it has been classified as a Variant of Uncertain Significance. Algorithms developed to predict the effect of missense changes on protein structure and function (SIFT, PolyPhen-2, Align-GVGD) all suggest that this variant is likely to be tolerated. ClinVar contains an entry for this variant (Variation ID: 993600). This variant has not been reported in the literature in individuals affected with WDR19-related conditions. This variant is not present in population databases (gnomAD no frequency). This sequence change replaces tyrosine, which is neutral and polar, with histidine, which is basic and polar, at codon 1133 of the WDR19 protein (p.Tyr1133His).

ARUP Laboratories, Molecular Genetics and Genomics, ARUP Laboratories
Classification: Uncertain significance. Last evaluated: 2020-08-24. Review status: criteria provided, single submitter. Criteria: ARUP Molecular Germline Variant Investigation Process. Collection method: clinical testing. Allele origin: germline.
Comment: The WDR19 p.Tyr1133His variant (rs1187864679), to our knowledge, has not been reported in the medical literature or gene specific databases. This variant is also absent from general population databases (1000 Genomes Project, Exome Variant Server, and Genome Aggregation Database), indicating it is not a common polymorphism. The tyrosine at codon 1133 is highly conserved (Alamut v.2.11) and computational analyses (SIFT, PolyPhen-2) predict conflicting effects of this variant on protein structure/function. Based on the available information, the clinical significance of this variant is uncertain.

NM_025132.4(WDR19):c.3397T>C (p.Tyr1133His)

Gene: WDR19 (WD repeat domain 19; plus strand). Cytogenetic location: 4p14.
Variant type: single nucleotide variant.
Coding change: c.3397T>C on transcript NM_025132.4 (MANE Select); coding-DNA position 3397, T replaced by C.
Protein change: p.Tyr1133His; replaces tyrosine 1133 with histidine.
Molecular consequence: missense variant.
Genome position (GRCh38, 1-based): chr4:39,270,014, T>C. VCF-style: chr4-39270014-T-C. GRCh37 (hg19) VCF-style: chr4-39271634-T-C.
Other names: c.2917T>C, p.Tyr973His (NM_001317924.2); short protein forms Y1133H, Y973H.
Identifiers: ClinVar variation 993600 (VCV000993600.12), dbSNP rs1187864679, ClinGen allele CA356646218.